The following is an entry in ClinVar:

NM_001374828.1(ARID1B):c.5384A>G (p.Asn1795Ser)

Gene: ARID1B (AT-rich interaction domain 1B; plus strand). Cytogenetic location: 6q25.3.
Variant type: single nucleotide variant.
Coding change: c.5384A>G on transcript NM_001374828.1 (MANE Select); coding-DNA position 5384, A replaced by G.
Protein change: p.Asn1795Ser; replaces asparagine 1795 with serine.
Molecular consequence: missense variant.
Genome position (GRCh38, 1-based): chr6:157,203,986, A>G. VCF-style: chr6-157203986-A-G. GRCh37 (hg19) VCF-style: chr6-157525120-A-G.
Other names: c.5015A>G, p.Asn1672Ser (NM_020732.3); c.2885A>G, p.Asn962Ser (NM_001363725.2); c.5264A>G, p.Asn1755Ser (NM_001371656.1, NM_001374820.1); c.5225A>G, p.Asn1742Ser (NM_017519.3); short protein forms N1672S, N962S, N1742S, N1755S, N1795S.
Identifiers: ClinVar variation 210297 (VCV000210297.51), dbSNP rs140177120, ClinGen allele CA207916.
Genomic context (GRCh38, chr6:157,203,986, plus strand): 5'-CGTGGGCTTTGGACACTATTAATATTCTTCTGTATGATGACAGCACTGTTGCTACTTTCA[A>G]TCTCTCCCAGGTAAGCCAGCATAGTCCAACTAACAACCAAATTAGGATAGGAGAGCATCA-3'
Protein context (NP_001361757.1, residues 1785-1805): LYDDSTVATF[Asn1795Ser]LSQLSGFLEL

ClinVar aggregate classification (germline): Benign/Likely benign. Review status: criteria provided, multiple submitters, no conflicts (2 of 4 stars). 8 submissions from 8 submitters: Benign (1); Likely benign (6). 1 of the submissions does not count toward it. Last evaluated 2026-08-01.

Conditions:
ARID1B-Related Disorder. Identifiers: MedGen CN381337.
Inborn genetic diseases. Identifiers: MedGen C0950123, MeSH D030342.
Coffin-Siris syndrome 1 (CSS1). Also called: ARID1B-Related Coffin-Siris Syndrome; Mental retardation, autosomal dominant 12. Identifiers: Orphanet 1465, MedGen C3281201, MONDO:0007617, OMIM 135900. Disease mechanism: gain of function.

Allele frequency attached by ClinVar (database versions not stated): 1000 Genomes Project 0.00020; ExAC 0.00075; gnomAD 0.00076 and 0.00079; gnomAD exomes 0.00080 and 0.00096; TOPMed 0.00082; ESP Exome Variant Server 0.00108; 1000 Genomes Project 30x 0.00016.
gnomAD v4.1: 1,521 of 1,614,060 alleles (0.094%); highest among the groups gnomAD compares: Admixed American, 0.1%; 2 homozygotes.

Submissions (8):

CeGaT Center for Human Genetics Tuebingen
Classification: Likely benign. Last evaluated: 2026-08-01. Review status: criteria provided, single submitter. Criteria: CeGaT Center For Human Genetics Tuebingen Variant Classification Criteria Version 2. Collection method: clinical testing. Allele origin: germline. Affected: yes. Observed: 10 variant alleles.
Comment: ARID1B: BP4, BS1

Labcorp Genetics (formerly Invitae), Labcorp
Classification: Likely benign. Last evaluated: 2026-01-27. Review status: criteria provided, single submitter. Criteria: Invitae Variant Classification Sherloc (09022015). Collection method: clinical testing. Allele origin: germline.

Ambry Genetics
Classification: Likely benign for Inborn genetic diseases. Last evaluated: 2025-04-03. Review status: criteria provided, single submitter. Criteria: Ambry Variant Classification Scheme 2023. Collection method: clinical testing. Allele origin: germline.

Blueprint Genetics
Classification: Likely benign. Last evaluated: 2024-10-09. Review status: criteria provided, single submitter. Criteria: ACMG Guidelines, 2015. Collection method: clinical testing. Allele origin: germline.

Genome-Nilou Lab
Classification: Likely benign for Coffin-Siris syndrome 1. Last evaluated: 2021-07-15. Review status: criteria provided, single submitter. Criteria: ACMG Guidelines, 2015. Collection method: clinical testing. Allele origin: germline. Affected: no.

Genetic Services Laboratory, University of Chicago
Classification: Likely benign. Last evaluated: 2020-09-14. Review status: criteria provided, single submitter. Criteria: ACMG Guidelines, 2015. Collection method: clinical testing. Allele origin: germline. Affected: no.

GeneDx
Classification: Benign. Last evaluated: 2019-07-31. Review status: criteria provided, single submitter. Criteria: GeneDx Variant Classification Process June 2021. Collection method: clinical testing. Allele origin: germline. Affected: yes.
Comment: This variant is associated with the following publications: (PMID: 31332282, 22405089, 27824329, 25363768)

PreventionGenetics, part of Exact Sciences
Classification: Likely benign for ARID1B-related condition. Last evaluated: 2022-05-17. Review status: no assertion criteria provided. Collection method: clinical testing. Allele origin: germline. Not counted in ClinVar's aggregate classification.
Comment: This variant is classified as likely benign based on ACMG/AMP sequence variant interpretation guidelines (Richards et al. 2015 PMID: 25741868, with internal and published modifications).